The following is an entry in ClinVar:

ClinVar aggregate classification (germline): Pathogenic (0 of 4 stars; one submission).

Conditions:
Autosomal dominant polycystic kidney disease. Identifiers: Orphanet 730, MedGen C0085413, MONDO:0004691.

Submission:

Department of Pathology and Laboratory Medicine, Sinai Health System
Classification: Pathogenic for Autosomal dominant polycystic kidney disease. Review status: no assertion criteria provided. Collection method: clinical testing. Allele origin: unknown. Affected: yes. Study: The Canadian Open Genetics Repository (COGR).
Comment: The PKD1 c.6468-?_10050+?del variant (chr16.GRCh7/hg19.g. 2149645-?_2158700+?del) results in a deletion of exons 15_30, although the precise breakpoints of this deletion were not determined, nor were the effects of this variant on the resulting mRNA or protein product determined. The variant was not identified in the literature nor in the dbSNP, NHLBI Exome Sequencing Project, Exome Aggregation Consortium, the 100 Genomes Project, Clinvitae, ClinVar, GeneInsight COGR, MutDB, ADPKD Mutation Database, PKD1-LOVD, and PKD1-LOVD 3.0 databases. This variant is predicted to result in a truncated or absent protein and loss of function. Loss of function variants of the PKD1 gene are an established mechanism of disease in autosomal dominant polycystic kidney disease and is the type of variant expected to cause the disorder. In summary, based on the above information, this variant meets our laboratoryâ€šÃ„Ã´s criteria to be classified as pathogenic.

NM_001009944.3(PKD1):c.8791+40_10050+3del

Gene: PKD1 (polycystin 1, transient receptor potential channel interacting; minus strand). Cytogenetic location: 16p13.3.
Variant type: Deletion.
Coding change: c.8791+40_10050+3del on transcript NM_001009944.3 (MANE Select); 40 bases into the intron after coding-DNA position 8791 through 3 bases into the intron after coding-DNA position 10050, 3,586 bases deleted.
Molecular consequence: splice acceptor variant, splice donor variant.
Genome position (GRCh38, 1-based): chr16:2,099,641-2,103,226, 3,586 bases deleted. GRCh37 (hg19): chr16:2,149,642-2,153,227.
Other names: c.8791+40_10050+3del (NM_000296.4).
Identifiers: ClinVar variation 1050228 (VCV001050228.1), ClinGen allele CA2499223370.